The following is an entry in ClinVar:

NM_015650.4(IFT54):c.1278T>G (p.Asp426Glu)

Gene: IFT54 (intraflagellar transport 54; plus strand). Cytogenetic location: 2q37.3.
Variant type: single nucleotide variant.
Coding change: c.1278T>G on transcript NM_015650.4 (MANE Select); coding-DNA position 1278, T replaced by G.
Protein change: p.Asp426Glu; replaces aspartic acid 426 with glutamic acid.
Molecular consequence: missense variant.
Genome position (GRCh38, 1-based): chr2:238,347,471, T>G. VCF-style: chr2-238347471-T-G. GRCh37 (hg19) VCF-style: chr2-239256112-T-G.
Other names: p.Asp426Glu; c.1080T>G, p.Asp360Glu (NM_001139490.1); short protein forms D360E, D426E.
Identifiers: ClinVar variation 757454 (VCV000757454.14), dbSNP rs139202184, ClinGen allele CA2198377.
Genomic context (GRCh38, chr2:238,347,471, plus strand): 5'-GTTGACTACACGAAAGCTAATTTTCTGATGTGCTTTTTCTTTAGGTGACTCCACCAGTGA[T>G]GCAGGTGAGGAATGGCCTTAGATACCTGTGTGTCATATCAATTGTATGCATGTGTGTGAA-3'
Protein context (NP_056465.2, residues 416-436): TEKQKGDSTS[Asp426Glu]AEGDAGPAGQ

ClinVar aggregate classification (germline): Likely benign. Review status: criteria provided, multiple submitters, no conflicts (2 of 4 stars). 3 submissions from 3 submitters: Likely benign (3). Last evaluated 2025-12-03.

Allele frequency attached by ClinVar (database versions not stated): gnomAD exomes 0.00008 and 0.00023; ExAC 0.00036; gnomAD 0.00096 and 0.00101; ESP Exome Variant Server 0.00108; TOPMed 0.00108; 1000 Genomes Project 30x 0.00125; 1000 Genomes Project 0.00160.
gnomAD v4.1: 280 of 1,614,142 alleles (0.017%); highest among the groups gnomAD compares: African/African-American, 0.33%; 3 homozygotes.

Submissions (4):

Labcorp Genetics (formerly Invitae), Labcorp
Classification: Likely benign. Last evaluated: 2025-12-03. Review status: criteria provided, single submitter. Criteria: Invitae Variant Classification Sherloc (09022015). Collection method: clinical testing. Allele origin: germline.

Mayo Clinic Laboratories, Mayo Clinic
Classification: Likely benign. Last evaluated: 2025-09-10. Review status: criteria provided, single submitter. Criteria: ACMG Guidelines, 2015. Collection method: clinical testing. Allele origin: germline. Observed: 1 variant allele.
Comment: BS1, BP4_moderate

Blueprint Genetics
Classification: Likely benign. Last evaluated: 2024-08-15. Review status: criteria provided, single submitter. Criteria: ACMG Guidelines, 2015. Collection method: clinical testing. Allele origin: germline.

Dr. Peter K. Rogan Lab, Western University
No classification provided (evidence only). Condition: Adrenocortical carcinoma, hereditary. Review status: no classification provided. Collection method: in vitro. Allele origin: not applicable. Functional consequence: skipped exon. Not counted in ClinVar's aggregate classification.